The following is an entry in ClinVar:

ClinVar aggregate classification (germline): Uncertain significance. Review status: criteria provided, multiple submitters, no conflicts (2 of 4 stars). 2 submissions from 2 submitters: Uncertain significance (2). Last evaluated 2022-06-09.

Conditions:
Long QT syndrome (LQTS). Identifiers: MedGen C0023976, MeSH D008133, MONDO:0002442. Disease mechanism: loss of function. Inheritance: Various modes of inheritance.
Long QT syndrome 11 (LQT11). Identifiers: Orphanet 101016, Orphanet 768, MedGen C2678483, MONDO:0012738, OMIM 611820.

Allele frequency attached by ClinVar (database versions not stated): TOPMed below 0.00001; gnomAD 0.00001.
gnomAD v4.1: 1 of 1,614,026 alleles (0.000062%); highest among the groups gnomAD compares: African/African-American, 0.0013%; no homozygotes.

Submissions (2):

Labcorp Genetics (formerly Invitae), Labcorp
Classification: Uncertain significance for Long QT syndrome. Last evaluated: 2022-06-09. Review status: criteria provided, single submitter. Criteria: Invitae Variant Classification Sherloc (09022015). Collection method: clinical testing. Allele origin: germline.
Comment: In summary, the available evidence is currently insufficient to determine the role of this variant in disease. Therefore, it has been classified as a Variant of Uncertain Significance. Algorithms developed to predict the effect of missense changes on protein structure and function are either unavailable or do not agree on the potential impact of this missense change (SIFT: "Deleterious"; PolyPhen-2: "Benign"; Align-GVGD: "Class C0"). This variant has not been reported in the literature in individuals affected with AKAP9-related conditions. This variant is not present in population databases (gnomAD no frequency). This sequence change replaces glutamine, which is neutral and polar, with glutamic acid, which is acidic and polar, at codon 265 of the AKAP9 protein (p.Gln265Glu).

Fulgent Genetics
Classification: Uncertain significance for Long QT syndrome 11. Last evaluated: 2021-08-13. Review status: criteria provided, single submitter. Criteria: ACMG Guidelines, 2015. Collection method: clinical testing. Allele origin: unknown.

NM_005751.5(AKAP9):c.793C>G (p.Gln265Glu)

Genes: AKAP9 (A-kinase anchoring protein 9; plus strand), LOC129998789 (ATAC-STARR-seq lymphoblastoid silent region 18366; plus strand). Cytogenetic location: 7q21.2.
Variant type: single nucleotide variant.
Coding change: c.793C>G on transcript NM_005751.5 (MANE Select); coding-DNA position 793, C replaced by G.
Protein change: p.Gln265Glu; replaces glutamine 265 with glutamic acid.
Molecular consequence: missense variant.
Genome position (GRCh38, 1-based): chr7:91,995,663, C>G. VCF-style: chr7-91995663-C-G. GRCh37 (hg19) VCF-style: chr7-91624977-C-G.
Other names: c.793C>G, p.Gln265Glu (NM_147185.3); short protein forms Q265E.
Identifiers: ClinVar variation 1363528 (VCV001363528.9), dbSNP rs1798307146, ClinGen allele CA368120227.
Genomic context (GRCh38, chr7:91,995,663, plus strand): 5'-TTACAGGCTAGTGAAACTCTGAGAAACAGCACTCATAGTAGCACAGCTGCAGACTTACTA[C>G]AAGCCAAACAACAGATCCTCACTCATCAACAGCAGCTTGAAGAACAAGACCACTTATTAG-3'
Protein context (NP_005742.4, residues 255-275): THSSTAADLL[Gln265Glu]AKQQILTHQQ